The following is an entry in ClinVar:

NM_014363.6(SACS):c.11257A>G (p.Arg3753Gly)

Gene: SACS (sacsin molecular chaperone; minus strand). Cytogenetic location: 13q12.12.
Variant type: single nucleotide variant.
Coding change: c.11257A>G on transcript NM_014363.6 (MANE Select); coding-DNA position 11257, A replaced by G.
Protein change: p.Arg3753Gly; replaces arginine 3753 with glycine.
Molecular consequence: missense variant.
Genome position (GRCh38, 1-based): chr13:23,332,619, T>C on the plus strand (A>G on the coding strand, the complement: SACS is on the minus strand). VCF-style: chr13-23332619-T-C. GRCh37 (hg19) VCF-style: chr13-23906758-T-C.
Other names: c.10816A>G, p.Arg3606Gly (NM_001278055.2); short protein forms R3606G, R3753G.
Identifiers: ClinVar variation 999203 (VCV000999203.6), dbSNP rs1883560944, ClinGen allele CA387510387.

ClinVar aggregate classification (germline): Uncertain significance (1 of 4 stars; one submission).

Conditions:
Spastic paraplegia. Identifiers: MedGen C0037772, HP:0001258.

Allele frequency attached by ClinVar (database versions not stated): gnomAD exomes below 0.00001.
gnomAD v4.1: 1 of 1,613,646 alleles (0.000062%); highest among the groups gnomAD compares: South Asian, 0.0011%; no homozygotes.

Submission:

Labcorp Genetics (formerly Invitae), Labcorp
Classification: Uncertain significance for Spastic paraplegia. Last evaluated: 2022-06-20. Review status: criteria provided, single submitter. Criteria: Invitae Variant Classification Sherloc (09022015). Collection method: clinical testing. Allele origin: germline.
Comment: This sequence change replaces arginine, which is basic and polar, with glycine, which is neutral and non-polar, at codon 3753 of the SACS protein (p.Arg3753Gly). This variant is not present in population databases (gnomAD no frequency). This variant has not been reported in the literature in individuals affected with SACS-related conditions. Advanced modeling of protein sequence and biophysical properties (such as structural, functional, and spatial information, amino acid conservation, physicochemical variation, residue mobility, and thermodynamic stability) performed at Invitae indicates that this missense variant is not expected to disrupt SACS protein function. In summary, the available evidence is currently insufficient to determine the role of this variant in disease. Therefore, it has been classified as a Variant of Uncertain Significance.